The following is an entry in ClinVar:

ClinVar aggregate classification (germline): Conflicting classifications of pathogenicity. Review status: criteria provided, conflicting classifications (1 of 4 stars). 15 submissions from 15 submitters: Uncertain significance (13); Likely benign (2). Last evaluated 2026-08-03.

Conditions:
Cardiovascular phenotype. Identifiers: MedGen CN230736.
TTN-related disorder. Also called: TTN-related condition; TTN-related disease; TTN-related disorders.
Dilated cardiomyopathy 1G (CMD1G). Identifiers: Orphanet 154, MedGen C1858763, MONDO:0011400, OMIM 604145.
Autosomal recessive limb-girdle muscular dystrophy type 2J (LGMDR10). Also called: Limb-girdle muscular dystrophy, type 2J; MUSCULAR DYSTROPHY, LIMB-GIRDLE, AUTOSOMAL RECESSIVE 10. Identifiers: Orphanet 140922, MedGen C1837342, MONDO:0012127, OMIM 608807.
Early-onset myopathy with fatal cardiomyopathy (CMYO5). Also called: Salih Myopathy; CONGENITAL MYOPATHY 5 WITH CARDIOMYOPATHY. Identifiers: Orphanet 289377, MedGen C2673677, MONDO:0012714, OMIM 611705. Disease mechanism: loss of function.
Hypertrophic cardiomyopathy 9. Also called: Familial hypertrophic cardiomyopathy 9. Identifiers: MedGen C1861065, MONDO:0013412, OMIM 613765.
Tibial muscular dystrophy (TMD). Also called: UDD MYOPATHY; Tibial muscular dystrophy, tardive; Udd Distal Myopathy – Tibial Muscular Dystrophy. Identifiers: Orphanet 609, MedGen C1838244, MONDO:0010870, OMIM 600334.
Myopathy, myofibrillar, 9, with early respiratory failure (MFM9). Also called: Hereditary myopathy with early respiratory failure; MYOPATHY, PROXIMAL, WITH EARLY RESPIRATORY MUSCLE INVOLVEMENT; Myopathy, distal, with early respiratory failure, autosomal dominant; EDSTROM MYOPATHY. Identifiers: Orphanet 178464, Orphanet 34521, MedGen C1863599, MONDO:0011362, OMIM 603689.
Cardiomyopathy (CMYO). Also called: Cardiomyopathies. Identifiers: Orphanet 167848, MedGen C0878544, MONDO:0004994, HP:0001638. Inheritance: Various modes of inheritance.

Allele frequency attached by ClinVar (database versions not stated): ESP Exome Variant Server 0.00008; TOPMed 0.00008; gnomAD 0.00009 and 0.00010; gnomAD exomes 0.00010 and 0.00011; ExAC 0.00011.
gnomAD v4.1: 170 of 1,613,764 alleles (0.011%); highest among the groups gnomAD compares: Non-Finnish European, 0.014%; no homozygotes.

Submissions (15):

PreventionGenetics, part of Exact Sciences
Classification: Uncertain significance for TTN-related condition. Last evaluated: 2026-08-03. Review status: criteria provided, single submitter. Criteria: ACMG Guidelines, 2015. Collection method: clinical testing. Allele origin: germline.
Comment: The TTN c.14309A>G variant is predicted to result in the amino acid substitution p.Tyr4770Cys. This variant has been reported with uncertain significance in an individual with dilated cardiomyopathy (DCM) along with a second TTN variant as well as additional variants in MYH7 (described as p.Tyr4453Cys; Wasielewski et al. 2014. PubMed ID: 25332820). This variant was also identified in two additional individuals with DCM (Table S4, Verdonschot et al. 2020. PubMed ID: 32880476). This variant is reported in 0.023% of alleles in individuals of European (Non-Finnish) descent in gnomAD. Although we suspect that this variant may be benign, at this time, the clinical significance of this variant is uncertain due to the absence of conclusive functional and genetic evidence.

Women's Health and Genetics/Laboratory Corporation of America, LabCorp
Classification: Uncertain significance. Last evaluated: 2026-01-12. Review status: criteria provided, single submitter. Criteria: LabCorp Variant Classification Summary - May 2015. Collection method: clinical testing. Allele origin: germline.
Comment: Variant summary: TTN NM_133378c.10577A>G (p.Tyr3526Cys). also known as NM_001267550 c.13358A>G (p.Tyr4770Cys), results in a non-conservative amino acid change located in the I-Band of the encoded protein sequence. Algorithms developed to predict the effect of missense changes on protein structure and function all suggest that this variant is likely to be disruptive. The variant allele was found at a frequency of 0.0001 in 248660 control chromosomes. This frequency is not significantly higher than estimated for disease-causing variants in TTN, allowing no conclusion about variant significance. c.10577A>G has been reported in the literature in individuals affected with Dilated Cardiomyopathy or suspected neuromuscular disorder (Wasielewski_2014, Westra_2019, Verdonschot_2020). These report(s) do not provide unequivocal conclusions about association of the variant with Dilated Cardiomyopathy and other TTN related conditions. To our knowledge, no experimental evidence demonstrating an impact on protein function has been reported. The following publications have been ascertained in the context of this evaluation (PMID: 37198425, 32880476, 25332820, 31127727). ClinVar contains an entry for this variant (Variation ID: 166226). Based on the evidence outlined above, the variant was classified as uncertain significance.

Molecular Diagnostic Laboratory for Inherited Cardiovascular Disease, Montreal Heart Institute
Classification: Likely benign. Last evaluated: 2025-04-09. Review status: criteria provided, single submitter. Criteria: ACMG Guidelines, 2015. Collection method: clinical testing. Allele origin: germline. Affected: no.

Blueprint Genetics
Classification: Likely benign. Last evaluated: 2024-07-01. Review status: criteria provided, single submitter. Criteria: ACMG Guidelines, 2015. Collection method: clinical testing. Allele origin: germline.

Revvity Omics, Revvity
Classification: Uncertain significance. Last evaluated: 2023-11-07. Review status: criteria provided, single submitter. Criteria: ACMG Guidelines, 2015. Collection method: clinical testing. Allele origin: germline.

KardioGenetik, Herz- und Diabeteszentrum NRW
Classification: Uncertain significance for Dilated cardiomyopathy 1G. Last evaluated: 2023-06-19. Review status: criteria provided, single submitter. Criteria: ACMG Guidelines, 2015. Collection method: clinical testing. Allele origin: unknown. Observed: 1 variant allele.

Mayo Clinic Laboratories, Mayo Clinic
Classification: Uncertain significance. Last evaluated: 2021-11-11. Review status: criteria provided, single submitter. Criteria: ACMG Guidelines, 2015. Collection method: clinical testing. Allele origin: germline.

CHEO Genetics Diagnostic Laboratory, Children's Hospital of Eastern Ontario
Classification: Uncertain significance for Cardiomyopathy. Last evaluated: 2021-11-04. Review status: criteria provided, single submitter. Criteria: ACMG Guidelines, 2015. Collection method: clinical testing. Allele origin: germline.

Fulgent Genetics
Classification: Uncertain significance for Tibial muscular dystrophy; Myopathy, myofibrillar, 9, with early respiratory failure; Dilated cardiomyopathy 1G; Autosomal recessive limb-girdle muscular dystrophy type 2J; Early-onset myopathy with fatal cardiomyopathy; Hypertrophic cardiomyopathy 9. Last evaluated: 2021-10-12. Review status: criteria provided, single submitter. Criteria: ACMG Guidelines, 2015. Collection method: clinical testing. Allele origin: unknown.

ARUP Laboratories, Molecular Genetics and Genomics, ARUP Laboratories
Classification: Uncertain significance. Last evaluated: 2021-04-14. Review status: criteria provided, single submitter. Criteria: ARUP Molecular Germline Variant Investigation Process 2021. Collection method: clinical testing. Allele origin: germline.
Comment: The TTN c.14309A>G; p.Tyr4770Cys variant (rs371552518; ClinVar Variation ID: 166226) is rare in the general population (<0.2% allele frequency in the Genome Aggregation Database) and has not been reported in the medical literature in association with dilated cardiomyopathy (DCM) or other TTN-related disease. The clinical relevance of rare missense variants in this gene, which are identified on average once per individual sequenced in affected populations (Herman 2012), is not well understood. Yet, evidence suggests that the vast majority of such missense variants do not contribute to the clinical outcome of DCM (Begay 2015). Thus, the clinical significance of the p.Tyr4770Cys variant cannot be determined with certainty. References: Begay RL et al. Role of Titin Missense Variants in Dilated Cardiomyopathy. J Am Heart Assoc. 2015 Nov 13;4(11). Herman DS et al. Truncations of titin causing dilated cardiomyopathy. N Engl J Med. 2012 Feb 16;366(7):619-28. Linke WA and Hamdani N. Gigantic business: titin properties and function through thick and thin. Circ Res 2014; 114(6): 1052-1068.

Ambry Genetics
Classification: Uncertain significance for Cardiovascular phenotype. Last evaluated: 2018-10-31. Review status: criteria provided, single submitter. Criteria: Ambry Variant Classification Scheme 2023. Collection method: clinical testing. Allele origin: germline.
Comment: The p.Y4407C variant (also known as c.13220A>G), located in coding exon 45 of the TTN gene, results from an A to G substitution at nucleotide position 13220. The tyrosine at codon 4407 is replaced by cysteine, an amino acid with highly dissimilar properties. This variant, reported as p.Y4453C ( c.13358A>G), was detected in conjunction with other cardiac related variants in a proband with anthracycline-associated cardiomyopathy (Wasielewski M. Open Heart. 2014 Jul;1(1):e000116). This amino acid position is highly conserved in available vertebrate species. In addition, this alteration is predicted to be deleterious by in silico analysis. Since supporting evidence is limited at this time, the clinical significance of this alteration remains unclear.

Labcorp Genetics (formerly Invitae), Labcorp
Classification: Uncertain significance for Dilated cardiomyopathy 1G; Autosomal recessive limb-girdle muscular dystrophy type 2J. Last evaluated: 2017-12-11. Review status: criteria provided, single submitter. Criteria: Invitae Variant Classification Sherloc (09022015). Collection method: clinical testing. Allele origin: germline.

Eurofins Ntd Llc (ga)
Classification: Uncertain significance. Last evaluated: 2016-12-28. Review status: criteria provided, single submitter. Criteria: EGL Classification Definitions 2015. Collection method: clinical testing. Allele origin: germline. Observed: 1 variant allele, 1 heterozygote.

GeneDx
Classification: Uncertain significance. Last evaluated: 2016-08-15. Review status: criteria provided, single submitter. Criteria: GeneDx Variant Classification (06012015). Collection method: clinical testing. Allele origin: germline. Affected: yes.
Comment: Missense variants in the TTN gene are considered 'unclassified' if they are not previously reported in the literature and do not have >1% frequency in the population to be considered a polymorphism. Research indicates that truncating mutations in the TTN gene are expected to account for approximately 25% of familial and 18% of sporadic idiopathic DCM; however, truncating variants in the TTN gene have been reported in approximately 3% of reported control alleles. There has been little investigation into non-truncating variants. (Herman D et al. Truncations of titin causing dilated cardiomyopathy. N Eng J Med 366:619-628, 2012) The variant is found in DCM,CARDIOMYOPATHY panel(s).

Laboratory for Molecular Medicine, Mass General Brigham Personalized Medicine
Classification: Uncertain significance. Last evaluated: 2015-06-10. Review status: criteria provided, single submitter. Criteria: LMM Criteria. Collection method: clinical testing. Allele origin: germline. Observed: 2 variant alleles.
Comment: It has also been identified in 13/66560 European chromosome s by the Exome Aggregation Consortium (ExAC; dbS NP rs371552518). Computational prediction tools and conservation analysis do no t provide strong support for or against an impact to the protein. In summary, th e clinical significance of the p.Tyr3526Cys variant is uncertain.

Literature cited by the submitters: PubMed 25332820 (cited by Women's Health and Genetics/Laboratory Corporation of America, LabCorp and Ambry Genetics); PubMed 31127727 (cited by Women's Health and Genetics/Laboratory Corporation of America, LabCorp); PubMed 32880476 (cited by Women's Health and Genetics/Laboratory Corporation of America, LabCorp); PubMed 37198425 (cited by Women's Health and Genetics/Laboratory Corporation of America, LabCorp).

NM_001267550.2(TTN):c.14309A>G (p.Tyr4770Cys)

Gene: TTN (titin; minus strand). Cytogenetic location: 2q31.2.
Variant type: single nucleotide variant.
Coding change: c.14309A>G on transcript NM_001267550.2 (MANE Select); coding-DNA position 14309, A replaced by G.
Protein change: p.Tyr4770Cys; replaces tyrosine 4770 with cysteine.
Molecular consequence: missense variant.
Genome position (GRCh38, 1-based): chr2:178,738,144, T>C on the plus strand (A>G on the coding strand, the complement: TTN is on the minus strand). VCF-style: chr2-178738144-T-C. GRCh37 (hg19) VCF-style: chr2-179602871-T-C.
Other names: p.Y4453C:TAT>TGT; p.Tyr4453Cys; c.13220A>G, p.Tyr4407Cys (NM_003319.4); c.13595A>G, p.Tyr4532Cys (NM_133432.3); c.13796A>G, p.Tyr4599Cys (NM_133437.4); c.13358A>G, p.Tyr4453Cys (NM_001256850.1); c.10577A>G, p.Tyr3526Cys (NM_133378.4); short protein forms Y3526C, Y4770C, Y4453C, Y4599C, Y4407C, Y4532C.
Identifiers: ClinVar variation 166226 (VCV000166226.31), dbSNP rs371552518, ClinGen allele CA178997.